The following is an entry in ClinVar:

NM_002303.6(LEPR):c.704-3A>C

Gene: LEPR (leptin receptor; plus strand). Cytogenetic location: 1p31.3.
Variant type: single nucleotide variant.
Coding change: c.704-3A>C on transcript NM_002303.6 (MANE Select); 3 bases into the intron before coding-DNA position 704, A replaced by C.
Molecular consequence: intron variant.
Genome position (GRCh38, 1-based): chr1:65,596,445, A>C. VCF-style: chr1-65596445-A-C. GRCh37 (hg19) VCF-style: chr1-66062128-A-C.
Other names: c.704-3A>C (NM_001003679.3, NM_001003680.3, NM_001198689.2 and 2 more transcripts).
Identifiers: ClinVar variation 3354050 (VCV003354050.1).
Genomic context (GRCh38, chr1:65,596,445, plus strand): 5'-TATTCAGCTATAATTGTCATGAAAATTACTTGACTTAAAAGTATTCTCTTTTTTTTCCTT[A>C]AGTGAAGCCTGATCCACCATTAGGTTTGCATATGGAAATCACAGATGATGGTAATTTAAA-3'

ClinVar aggregate classification (germline): Likely benign (0 of 4 stars; one submission).

Conditions:
LEPR-related disorder. Also called: LEPR-related condition; LEPR-related disorders.

gnomAD v4.1: 5 of 1,611,882 alleles (0.00031%); highest among the groups gnomAD compares: African/African-American, 0.0013%; no homozygotes.

Submission:

PreventionGenetics, part of Exact Sciences
Classification: Likely benign for LEPR-related condition. Last evaluated: 2023-05-09. Review status: no assertion criteria provided. Collection method: clinical testing. Allele origin: germline.
Comment: This variant is classified as likely benign based on ACMG/AMP sequence variant interpretation guidelines (Richards et al. 2015 PMID: 25741868, with internal and published modifications).